The following is an entry in ClinVar:

NM_015981.4(CAMK2A):c.1003A>G (p.Ser335Gly)

Gene: CAMK2A (calcium/calmodulin dependent protein kinase II alpha; minus strand). Cytogenetic location: 5q32.
Variant type: single nucleotide variant.
Coding change: c.1003A>G on transcript NM_015981.4 (MANE Select); coding-DNA position 1003, A replaced by G.
Protein change: p.Ser335Gly; replaces serine 335 with glycine.
Molecular consequence: missense variant. On other transcripts: intron variant (3).
Genome position (GRCh38, 1-based): chr5:150,239,718, T>C on the plus strand (A>G on the coding strand, the complement: CAMK2A is on the minus strand). VCF-style: chr5-150239718-T-C. GRCh37 (hg19) VCF-style: chr5-149619281-T-C.
Other names: c.1003A>G, p.Ser335Gly (NM_001363989.1); c.985-970A>G (NM_001363990.1, NM_171825.3, NM_001369025.2); short protein forms S335G.
Identifiers: ClinVar variation 1803362 (VCV001803362.2), dbSNP rs1381339494, ClinGen allele CA361746034.
Genomic context (GRCh38, chr5:150,239,718, plus strand): 5'-TTCGAGGCCCAGCATTTACCGGCGTTAGGAGACGGCAGACACTCACCATTAACTGAACGC[T>C]GGAACTGGACTTTCTTTTCTGGAAAAACAAGGAGAAGAGATGGGACAGGAAAAGACACAG-3'
Protein context (NP_057065.2, residues 325-345): DGVKKRKSSS[Ser335Gly]VQLMESSEST

ClinVar aggregate classification (germline): Uncertain significance. Review status: criteria provided, multiple submitters, no conflicts (2 of 4 stars). 2 submissions from 2 submitters: Uncertain significance (2). Last evaluated 2025-04-03.

Conditions:
Inborn genetic diseases. Identifiers: MedGen C0950123, MeSH D030342.

Allele frequency attached by ClinVar (database versions not stated): gnomAD 0.00001; TOPMed below 0.00001.
gnomAD v4.1: 2 of 1,613,824 alleles (0.00012%); highest among the groups gnomAD compares: East Asian, 0.0022%; no homozygotes.

Submissions (2):

Ambry Genetics
Classification: Uncertain significance for Inborn genetic diseases. Last evaluated: 2025-04-03. Review status: criteria provided, single submitter. Criteria: Ambry Variant Classification Scheme 2023. Collection method: clinical testing. Allele origin: germline.

GeneDx
Classification: Uncertain significance. Last evaluated: 2022-06-07. Review status: criteria provided, single submitter. Criteria: GeneDx Variant Classification Process June 2021. Collection method: clinical testing. Allele origin: germline. Affected: yes.
Comment: Not observed at significant frequency in large population cohorts (gnomAD); In silico analysis supports that this missense variant does not alter protein structure/function; Has not been previously published as pathogenic or benign to our knowledge